The following is an entry in ClinVar:

NM_015693.4(INTU):c.2247_2248delinsCA (p.Leu749_Glu750delinsPheLys)

Gene: INTU (inturned planar cell polarity protein; plus strand). Cytogenetic location: 4q28.1.
Variant type: Indel.
Coding change: c.2247_2248delinsCA on transcript NM_015693.4 (MANE Select); coding-DNA positions 2247 to 2248, AG replaced by CA.
Protein change: p.Leu749_Glu750delinsPheLys.
Molecular consequence: missense variant.
Genome position (GRCh38, 1-based): chr4:127,706,945-127,706,946, AG replaced by CA. VCF-style: chr4-127706945-AG-CA. GRCh37 (hg19) VCF-style: chr4-128628100-AG-CA.
Identifiers: ClinVar variation 2880087 (VCV002880087.3), dbSNP rs2531030779, ClinGen allele CA2739270298.

ClinVar aggregate classification (germline): Uncertain significance (1 of 4 stars; one submission).

Submission:

Labcorp Genetics (formerly Invitae), Labcorp
Classification: Uncertain significance. Last evaluated: 2023-12-24. Review status: criteria provided, single submitter. Criteria: Invitae Variant Classification Sherloc (09022015). Collection method: clinical testing. Allele origin: germline.
Comment: This variant, c.2247_2248delinsCA, is a complex sequence change that results in the deletion of 2 and insertion of 2 amino acid(s) in the INTU protein (p.Leu749_Glu750delinsPheLys). Information on the frequency of this variant in the gnomAD database is not available, as this variant may be reported differently in the database. This variant has not been reported in the literature in individuals affected with INTU-related conditions. Experimental studies and prediction algorithms are not available or were not evaluated, and the functional significance of this variant is currently unknown. In summary, the available evidence is currently insufficient to determine the role of this variant in disease. Therefore, it has been classified as a Variant of Uncertain Significance.